The following is an entry in ClinVar:

ClinVar aggregate classification (germline): Conflicting classifications of pathogenicity. Review status: criteria provided, conflicting classifications (1 of 4 stars). 3 submissions from 3 submitters: Uncertain significance (1); Likely benign (1). 1 of the submissions does not count toward it. Last evaluated 2025-10-21.

Conditions:
Inborn genetic diseases. Identifiers: MedGen C0950123, MeSH D030342.
SETX-related disorder. Also called: SETX-related condition; SETX-related disorders. Identifiers: MedGen CN239403.
Amyotrophic lateral sclerosis type 4 (ALS4). Also called: NEURONOPATHY, DISTAL HEREDITARY MOTOR, WITH PYRAMIDAL FEATURES; AMYOTROPHIC LATERAL SCLEROSIS 4, JUVENILE. Identifiers: Orphanet 357043, MedGen C1865409, MONDO:0011223, OMIM 602433.
Spinocerebellar ataxia, autosomal recessive, with axonal neuropathy 2 (SCAN2). Also called: ATAXIA-OCULOMOTOR APRAXIA 2; Ataxia-ocular apraxia-2; Ataxia with Oculomotor Apraxia Type 2; Ataxia with Oculomotor Apraxia. Identifiers: Orphanet 64753, MedGen C1853761, MONDO:0018996, OMIM 606002.

Allele frequency attached by ClinVar (database versions not stated): ESP Exome Variant Server 0.00023; gnomAD 0.00035 and 0.00039; 1000 Genomes Project 0.00040; 1000 Genomes Project 30x 0.00047.
gnomAD v4.1: 95 of 1,614,204 alleles (0.0059%); highest among the groups gnomAD compares: African/African-American, 0.12%; no homozygotes.

Submissions (3):

Ambry Genetics
Classification: Uncertain significance for Inborn genetic diseases. Last evaluated: 2025-10-21. Review status: criteria provided, single submitter. Criteria: Ambry Variant Classification Scheme 2023. Collection method: clinical testing. Allele origin: germline.

Labcorp Genetics (formerly Invitae), Labcorp
Classification: Likely benign for Amyotrophic lateral sclerosis type 4; Spinocerebellar ataxia, autosomal recessive, with axonal neuropathy 2. Last evaluated: 2025-09-27. Review status: criteria provided, single submitter. Criteria: Invitae Variant Classification Sherloc (09022015). Collection method: clinical testing. Allele origin: germline.

PreventionGenetics, part of Exact Sciences
Classification: Likely benign for SETX-related condition. Last evaluated: 2023-08-16. Review status: no assertion criteria provided. Collection method: clinical testing. Allele origin: germline. Not counted in ClinVar's aggregate classification.
Comment: This variant is classified as likely benign based on ACMG/AMP sequence variant interpretation guidelines (Richards et al. 2015 PMID: 25741868, with internal and published modifications).

NM_015046.7(SETX):c.4916A>C (p.Gln1639Pro)

Gene: SETX (senataxin; minus strand). Cytogenetic location: 9q34.13.
Variant type: single nucleotide variant.
Coding change: c.4916A>C on transcript NM_015046.7 (MANE Select); coding-DNA position 4916, A replaced by C.
Protein change: p.Gln1639Pro; replaces glutamine 1639 with proline.
Molecular consequence: missense variant.
Genome position (GRCh38, 1-based): chr9:132,326,682, T>G on the plus strand (A>C on the coding strand, the complement: SETX is on the minus strand). VCF-style: chr9-132326682-T-G. GRCh37 (hg19) VCF-style: chr9-135202069-T-G.
Other names: c.4916A>C, p.Gln1639Pro (NM_001351527.2, NM_001351528.2); short protein forms Q1639P.
Identifiers: ClinVar variation 1624715 (VCV001624715.13), dbSNP rs150918808, ClinGen allele CA5297110.